The following is an entry in ClinVar:

ClinVar aggregate classification (germline): Uncertain significance (1 of 4 stars; one submission).

Conditions:
Inborn genetic diseases. Identifiers: MedGen C0950123, MeSH D030342.

gnomAD v4.1: 2 of 1,614,094 alleles (0.00012%); highest among the groups gnomAD compares: Admixed American, 0.0017%; no homozygotes.

Submission:

Ambry Genetics
Classification: Uncertain significance for Inborn genetic diseases. Last evaluated: 2026-02-24. Review status: criteria provided, single submitter. Criteria: Ambry Variant Classification Scheme 2023. Collection method: clinical testing. Allele origin: germline.
Comment: The p.A227G variant (also known as c.680C>G), located in coding exon 1 of the SAMD9L gene, results from a C to G substitution at nucleotide position 680. The alanine at codon 227 is replaced by glycine, an amino acid with similar properties. This amino acid position is conserved. In addition, this alteration is predicted to be tolerated by in silico analysis. Based on the available evidence, the clinical significance of this variant remains unclear.

NM_152703.5(SAMD9L):c.680C>G (p.Ala227Gly)

Gene: SAMD9L (sterile alpha motif domain containing 9 like; minus strand). Cytogenetic location: 7q21.2.
Variant type: single nucleotide variant.
Coding change: c.680C>G on transcript NM_152703.5 (MANE Select); coding-DNA position 680, C replaced by G.
Protein change: p.Ala227Gly; replaces alanine 227 with glycine.
Molecular consequence: missense variant.
Genome position (GRCh38, 1-based): chr7:93,135,292, G>C on the plus strand (C>G on the coding strand, the complement: SAMD9L is on the minus strand). VCF-style: chr7-93135292-G-C. GRCh37 (hg19) VCF-style: chr7-92764605-G-C.
Other names: c.680C>G, p.Ala227Gly (NM_001303500.3, NM_001350082.2, NM_001350083.2 and 5 more transcripts); short protein forms A227G.
Identifiers: ClinVar variation 4826173 (VCV004826173.1).